The following is an entry in ClinVar:

ClinVar aggregate classification (germline): Likely benign (1 of 4 stars; one submission).

Submission:

CeGaT Center for Human Genetics Tuebingen
Classification: Likely benign. Last evaluated: 2026-08-01. Review status: criteria provided, single submitter. Criteria: CeGaT Center For Human Genetics Tuebingen Variant Classification Criteria Version 2. Collection method: clinical testing. Allele origin: germline. Affected: yes. Observed: 4 variant alleles.
Comment: CLIC6: BP4, BP7

NM_053277.3(CLIC6):c.786G>C (p.Ala262=)

Gene: CLIC6 (CLIC family member 6; plus strand). Cytogenetic location: 21q22.12.
Variant type: single nucleotide variant.
Coding change: c.786G>C on transcript NM_053277.3 (MANE Select); coding-DNA position 786, G replaced by C.
Protein change: p.Ala262=; no amino-acid change (alanine 262 retained).
Molecular consequence: synonymous variant.
Genome position (GRCh38, 1-based): chr21:34,670,174, G>C. VCF-style: chr21-34670174-G-C. GRCh37 (hg19) VCF-style: chr21-36042473-G-C.
Other names: c.786G>C, p.Ala262= (NM_001317009.2).
Identifiers: ClinVar variation 4533611 (VCV004533611.6).